The following is an entry in ClinVar:

NM_022455.5(NSD1):c.4645T>G (p.Cys1549Gly)

Gene: NSD1 (nuclear receptor binding SET domain protein 1; plus strand). Cytogenetic location: 5q35.3.
Variant type: single nucleotide variant.
Coding change: c.4645T>G on transcript NM_022455.5 (MANE Select); coding-DNA position 4645, T replaced by G.
Protein change: p.Cys1549Gly; replaces cysteine 1549 with glycine.
Molecular consequence: missense variant.
Genome position (GRCh38, 1-based): chr5:177,251,733, T>G. VCF-style: chr5-177251733-T-G. GRCh37 (hg19) VCF-style: chr5-176678734-T-G.
Other names: c.4645T>G, p.Cys1549Gly (NM_001409302.1, NM_001409303.1, NM_001409301.1); c.4225T>G, p.Cys1409Gly (NM_001409304.1); c.3892T>G, p.Cys1298Gly (NM_001409305.1); c.3772T>G, p.Cys1258Gly (NM_001409306.1, NM_001409307.1, NM_001409308.1 and 3 more transcripts); short protein forms C1549G, C1280G, C1258G, C1409G, C1298G.
Identifiers: ClinVar variation 578356 (VCV000578356.9), dbSNP rs1562259810, ClinGen allele CA362351395.

ClinVar aggregate classification (germline): Uncertain significance. Review status: criteria provided, single submitter (1 of 4 stars). 2 submissions from 1 submitter: Uncertain significance (1). 1 of the submissions does not count toward it. Last evaluated 2018-02-26.

Conditions:
Sotos syndrome (SOTOS). Also called: CHROMOSOME 5q35 DELETION SYNDROME; CEREBRAL GIGANTISM; Sotos' syndrome; SOTOS SYNDROME 1; Distinctive facial appearance, overgrowth in childhood, and learning disabilities or delayed development. Identifiers: Orphanet 821, MedGen C0175695, MONDO:0019349, OMIM 117550.

Submissions (2):

Labcorp Genetics (formerly Invitae), Labcorp
Classification: Uncertain significance. Last evaluated: 2018-02-26. Review status: criteria provided, single submitter. Criteria: Invitae Variant Classification Sherloc (09022015). Collection method: clinical testing. Allele origin: germline.
Comment: This variant has not been reported in the literature in individuals with NSD1-related disease. This variant is not present in population databases (ExAC no frequency). This sequence change replaces cysteine with glycine at codon 1549 of the NSD1 protein (p.Cys1549Gly). The cysteine residue is moderately conserved and there is a large physicochemical difference between cysteine and glycine. Algorithms developed to predict the effect of missense changes on protein structure and function do not agree on the potential impact of this missense change (SIFT: "Tolerated"; PolyPhen-2: "Probably Damaging"; Align-GVGD: "Class C0"). In summary, the available evidence is currently insufficient to determine the role of this variant in disease. Therefore, it has been classified as a Variant of Uncertain Significance.

Labcorp Genetics (formerly Invitae), Labcorp
Classification: Uncertain significance. Last evaluated: 2021-08-30. Review status: flagged submission. Criteria: Invitae Variant Classification Sherloc (09022015). Collection method: clinical testing. Allele origin: germline. Not counted in ClinVar's aggregate classification.
Comment: This sequence change replaces cysteine with glycine at codon 1549 of the NSD1 protein (p.Cys1549Gly). The cysteine residue is moderately conserved and there is a large physicochemical difference between cysteine and glycine. This variant is not present in population databases (ExAC no frequency). This variant has not been reported in the literature in individuals affected with NSD1-related conditions. Algorithms developed to predict the effect of missense changes on protein structure and function are either unavailable or do not agree on the potential impact of this missense change (SIFT: "Tolerated"; PolyPhen-2: "Probably Damaging"; Align-GVGD: "Class C0"). In summary, the available evidence is currently insufficient to determine the role of this variant in disease. Therefore, it has been classified as a Variant of Uncertain Significance.
ClinVar note: Reason: This record appears to be redundant with a more recent record from the same submitter.
ClinVar note: Notes: SCV001484287 appears to be redundant with SCV000830135.